The following is an entry in ClinVar:

ClinVar aggregate classification (germline): Uncertain significance (1 of 4 stars; one submission).

Submission:

Ambry Genetics
Classification: Uncertain significance. Last evaluated: 2025-01-16. Review status: criteria provided, single submitter. Criteria: Ambry Variant Classification Scheme 2023. Collection method: clinical testing. Allele origin: germline.
Comment: The p.A552V variant (also known as c.1655C>T), located in coding exon 8 of the ATRIP gene, results from a C to T substitution at nucleotide position 1655. The alanine at codon 552 is replaced by valine, an amino acid with similar properties. This amino acid position is conserved. In addition, this alteration is predicted to be tolerated by in silico analysis. Based on the available evidence, the clinical significance of this variant remains unclear.

NM_130384.3(ATRIP):c.1655C>T (p.Ala552Val)

Genes: ATRIP (ATR interacting protein; plus strand), ATRIP-TREX1 (ATRIP-TREX1 readthrough; plus strand). Cytogenetic location: 3p21.31.
Variant type: single nucleotide variant.
Coding change: c.1655C>T on transcript NM_130384.3 (MANE Select); coding-DNA position 1655, C replaced by T.
Protein change: p.Ala552Val; replaces alanine 552 with valine.
Molecular consequence: missense variant. On other transcripts: non-coding transcript variant (1).
Genome position (GRCh38, 1-based): chr3:48,460,709, C>T. VCF-style: chr3-48460709-C-T. GRCh37 (hg19) VCF-style: chr3-48502108-C-T.
Other names: c.1274C>T, p.Ala425Val (NM_001271022.2); c.1376C>T, p.Ala459Val (NM_001271023.2); c.1655C>T, p.Ala552Val (NM_032166.4); short protein forms A552V, A425V, A459V.
Identifiers: ClinVar variation 3809935 (VCV003809935.1).
Genomic context (GRCh38, chr3:48,460,709, plus strand): 5'-ACCAAGGACAGCACCCACTGTTGAAGATGCTTCTTCACCTGTTGGCTTTCTCTTCTGCAG[C>T]AACAGGTCACCTTCAAGCCAGTGTCCTGACCCAGTGCCTTAAGGTTTTGGTGAAATTAGC-3'
Protein context (NP_569055.1, residues 542-562): LLHLLAFSSA[Ala552Val]TGHLQASVLT